The following is an entry in ClinVar:

NM_006612.6(KIF1C):c.1937+11G>T

Genes: KIF1C (kinesin family member 1C; plus strand), LOC126862473 (CDK7 strongly-dependent group 2 enhancer GRCh37_chr17:4923264-4924463; plus strand). Cytogenetic location: 17p13.2.
Variant type: single nucleotide variant.
Coding change: c.1937+11G>T on transcript NM_006612.6 (MANE Select); 11 bases into the intron after coding-DNA position 1937, G replaced by T.
Molecular consequence: intron variant.
Genome position (GRCh38, 1-based): chr17:5,020,689, G>T. VCF-style: chr17-5020689-G-T. GRCh37 (hg19) VCF-style: chr17-4923984-G-T.
Identifiers: ClinVar variation 381280 (VCV000381280.14), dbSNP rs346826, ClinGen allele CA8319147.

ClinVar aggregate classification (germline): Benign. Review status: criteria provided, multiple submitters, no conflicts (2 of 4 stars). 4 submissions from 4 submitters: Benign (4). Last evaluated 2026-02-04.

Conditions:
Spastic ataxia 2. Also called: Ataxia, spastic, 2, autosomal recessive. Identifiers: Orphanet 397946, MedGen C1969796, MONDO:0012651, OMIM 611302.

Allele frequency attached by ClinVar (database versions not stated): gnomAD exomes 0.05895; ExAC 0.06107; 1000 Genomes Project 30x 0.07402; ESP Exome Variant Server 0.04529; gnomAD 0.05064; TOPMed 0.05090; 1000 Genomes Project 0.07847.
gnomAD v4.1: 81,470 of 1,612,486 alleles (5.1%); highest among the groups gnomAD compares: East Asian, 20%; 2,845 homozygotes.

Submissions (4):

Labcorp Genetics (formerly Invitae), Labcorp
Classification: Benign for Spastic ataxia 2. Last evaluated: 2026-02-04. Review status: criteria provided, single submitter. Criteria: Invitae Variant Classification Sherloc (09022015). Collection method: clinical testing. Allele origin: germline.

Genome-Nilou Lab
Classification: Benign for Spastic ataxia 2. Last evaluated: 2021-08-19. Review status: criteria provided, single submitter. Criteria: ACMG Guidelines, 2015. Collection method: clinical testing. Allele origin: germline. Affected: no.

GeneDx
Classification: Benign. Last evaluated: 2016-06-09. Review status: criteria provided, single submitter. Criteria: GeneDx Variant Classification (06012015). Collection method: clinical testing. Allele origin: germline. Affected: yes.
Comment: This variant is considered likely benign or benign based on one or more of the following criteria: it is a conservative change, it occurs at a poorly conserved position in the protein, it is predicted to be benign by multiple in silico algorithms, and/or has population frequency not consistent with disease.

Breakthrough Genomics
Classification: Benign. Review status: criteria provided, single submitter. Criteria: ACMG Guidelines, 2015. Collection method: not provided. Allele origin: germline. Inheritance: Autosomal recessive inheritance. Affected: yes.